The following is an entry in ClinVar:

ClinVar aggregate classification (germline): Uncertain significance. Review status: criteria provided, multiple submitters, no conflicts (2 of 4 stars). 2 submissions from 2 submitters: Uncertain significance (2). Last evaluated 2023-10-13.

Conditions:
Charcot-Marie-Tooth disease axonal type 2O. Also called: CHARCOT-MARIE-TOOTH NEUROPATHY, AXONAL, TYPE 2O; CHARCOT-MARIE-TOOTH DISEASE, AXONAL, AUTOSOMAL DOMINANT, TYPE 2O; Charcot-Marie-Tooth Neuropathy Type 2O; Charcot-Marie-Tooth disease, axonal, type 20. Identifiers: Orphanet 284232, MedGen C3280220, MONDO:0013644, OMIM 614228.
Cortical dysplasia, complex, with other brain malformations 13. Also called: Intellectual disability, autosomal dominant 13. Identifiers: MedGen C3281202, MONDO:0013805, OMIM 614563.

Allele frequency attached by ClinVar (database versions not stated): gnomAD exomes below 0.00001.
gnomAD v4.1: 5 of 1,614,060 alleles (0.00031%); highest among the groups gnomAD compares: African/African-American, 0.0013%; no homozygotes.

Submissions (2):

Labcorp Genetics (formerly Invitae), Labcorp
Classification: Uncertain significance for Charcot-Marie-Tooth disease axonal type 2O. Last evaluated: 2023-10-13. Review status: criteria provided, single submitter. Criteria: Invitae Variant Classification Sherloc (09022015). Collection method: clinical testing. Allele origin: germline.
Comment: This sequence change falls in intron 62 of the DYNC1H1 gene. It does not directly change the encoded amino acid sequence of the DYNC1H1 protein. It affects a nucleotide within the consensus splice site. This variant is not present in population databases (gnomAD no frequency). This variant has not been reported in the literature in individuals affected with DYNC1H1-related conditions. ClinVar contains an entry for this variant (Variation ID: 1285465). Variants that disrupt the consensus splice site are a relatively common cause of aberrant splicing (PMID: 17576681, 9536098). Algorithms developed to predict the effect of sequence changes on RNA splicing suggest that this variant is not likely to affect RNA splicing. In summary, the available evidence is currently insufficient to determine the role of this variant in disease. Therefore, it has been classified as a Variant of Uncertain Significance.

Institute of Human Genetics, University of Leipzig Medical Center
Classification: Uncertain significance for Cortical dysplasia, complex, with other brain malformations 13. Last evaluated: 2020-11-20. Review status: criteria provided, single submitter. Criteria: ACMG Guidelines, 2015. Collection method: clinical testing. Allele origin: unknown. Affected: yes.

Literature cited by the submitters: PubMed 17576681 (cited by Labcorp Genetics (formerly Invitae), Labcorp); PubMed 9536098 (cited by Labcorp Genetics (formerly Invitae), Labcorp).

NM_001376.5(DYNC1H1):c.11690+5G>A

Gene: DYNC1H1 (dynein cytoplasmic 1 heavy chain 1; plus strand). Cytogenetic location: 14q32.31.
Variant type: single nucleotide variant.
Coding change: c.11690+5G>A on transcript NM_001376.5 (MANE Select); 5 bases into the intron after coding-DNA position 11690, G replaced by A.
Molecular consequence: intron variant.
Genome position (GRCh38, 1-based): chr14:102,039,737, G>A. VCF-style: chr14-102039737-G-A. GRCh37 (hg19) VCF-style: chr14-102506074-G-A.
Identifiers: ClinVar variation 1285465 (VCV001285465.6), dbSNP rs1336913296, ClinGen allele CA703179566.